The following is an entry in ClinVar:

NM_015046.7(SETX):c.3023C>G (p.Thr1008Ser)

Gene: SETX (senataxin; minus strand). Cytogenetic location: 9q34.13.
Variant type: single nucleotide variant.
Coding change: c.3023C>G on transcript NM_015046.7 (MANE Select); coding-DNA position 3023, C replaced by G.
Protein change: p.Thr1008Ser; replaces threonine 1008 with serine.
Molecular consequence: missense variant.
Genome position (GRCh38, 1-based): chr9:132,328,575, G>C on the plus strand (C>G on the coding strand, the complement: SETX is on the minus strand). VCF-style: chr9-132328575-G-C. GRCh37 (hg19) VCF-style: chr9-135203962-G-C.
Other names: c.3023C>G, p.Thr1008Ser (NM_001351527.2, NM_001351528.2); short protein forms T1008S.
Identifiers: ClinVar variation 448318 (VCV000448318.8), dbSNP rs372021275, ClinGen allele CA5297497.

ClinVar aggregate classification (germline): Uncertain significance. Review status: criteria provided, multiple submitters, no conflicts (2 of 4 stars). 5 submissions from 4 submitters: Uncertain significance (5). Last evaluated 2026-06-24.

Conditions:
Inborn genetic diseases. Identifiers: MedGen C0950123, MeSH D030342.
SETX-related disorder. Also called: SETX-related disorders; SETX-related condition. Identifiers: MedGen CN239403.
Amyotrophic lateral sclerosis type 4 (ALS4). Also called: NEURONOPATHY, DISTAL HEREDITARY MOTOR, WITH PYRAMIDAL FEATURES; AMYOTROPHIC LATERAL SCLEROSIS 4, JUVENILE. Identifiers: Orphanet 357043, MedGen C1865409, MONDO:0011223, OMIM 602433.
Spinocerebellar ataxia, autosomal recessive, with axonal neuropathy 2 (SCAN2). Also called: Ataxia with Oculomotor Apraxia; ATAXIA-OCULOMOTOR APRAXIA 2; Ataxia-ocular apraxia-2; Ataxia with Oculomotor Apraxia Type 2. Identifiers: Orphanet 64753, MedGen C1853761, MONDO:0018996, OMIM 606002.

Allele frequency attached by ClinVar (database versions not stated): gnomAD exomes 0.00001 and 0.00003; ExAC 0.00004; gnomAD 0.00007; ESP Exome Variant Server 0.00015; TOPMed 0.00015.
gnomAD v4.1: 24 of 1,613,790 alleles (0.0015%); highest among the groups gnomAD compares: African/African-American, 0.031%; no homozygotes.

Submissions (5):

PreventionGenetics, part of Exact Sciences
Classification: Uncertain significance for SETX-related condition. Last evaluated: 2026-06-24. Review status: criteria provided, single submitter. Criteria: ACMG Guidelines, 2015. Collection method: clinical testing. Allele origin: germline.
Comment: The SETX c.3023C>G variant is predicted to result in the amino acid substitution p.Thr1008Ser. To our knowledge, this variant has not been reported in the literature. This variant is reported in 0.040% of alleles in individuals of African descent in gnomAD. At this time, the clinical significance of this variant is uncertain due to the absence of conclusive functional and genetic evidence.

Athena Diagnostics
Classification: Uncertain significance. Last evaluated: 2025-06-13. Review status: criteria provided, single submitter. Criteria: Athena Diagnostics Criteria. Collection method: clinical testing. Allele origin: unknown.
Comment: Available data are insufficient to determine the clinical significance of the variant at this time. The frequency of this variant in the general population is higher than would generally be expected for pathogenic variants in this gene. Polyphen and MutationTaster predict this amino acid change may be benign.

Genome-Nilou Lab
Classification: Uncertain significance for Spinocerebellar ataxia, autosomal recessive, with axonal neuropathy 2. Last evaluated: 2023-02-08. Review status: criteria provided, single submitter. Criteria: ACMG Guidelines, 2015. Collection method: clinical testing. Allele origin: germline.

Genome-Nilou Lab
Classification: Uncertain significance for Amyotrophic lateral sclerosis type 4. Last evaluated: 2023-02-08. Review status: criteria provided, single submitter. Criteria: ACMG Guidelines, 2015. Collection method: clinical testing. Allele origin: germline.

Ambry Genetics
Classification: Uncertain significance for Inborn genetic diseases. Last evaluated: 2020-01-06. Review status: criteria provided, single submitter. Criteria: Ambry Variant Classification Scheme 2023. Collection method: clinical testing. Allele origin: germline.
Comment: The p.T1008S variant (also known as c.3023C>G), located in coding exon 8 of the SETX gene, results from a C to G substitution at nucleotide position 3023. The threonine at codon 1008 is replaced by serine, an amino acid with similar properties. This amino acid position is not well conserved in available vertebrate species. In addition, this alteration is predicted to be tolerated by in silico analysis. Since supporting evidence is limited at this time, the clinical significance of this alteration remains unclear.